The following is an entry in ClinVar:

ClinVar aggregate classification (germline): Uncertain significance. Review status: criteria provided, multiple submitters, no conflicts (2 of 4 stars). 3 submissions from 3 submitters: Uncertain significance (3). Last evaluated 2024-08-06.

Conditions:
Microcephaly-intellectual disability-sensorineural hearing loss-epilepsy-abnormal muscle tone syndrome (NEDHSB). Also called: NEURODEVELOPMENTAL DISORDER WITH HEARING LOSS, SEIZURES, AND BRAIN ABNORMALITIES. Identifiers: Orphanet 457351, MedGen C4225276, MONDO:0014698, OMIM 616577.

Allele frequency attached by ClinVar (database versions not stated): gnomAD 0.00003 and 0.00005; TOPMed 0.00010.
gnomAD v4.1: 102 of 1,614,138 alleles (0.0063%); highest among the groups gnomAD compares: Middle Eastern, 0.033%; no homozygotes.

Submissions (3):

GeneDx
Classification: Uncertain significance. Last evaluated: 2024-08-06. Review status: criteria provided, single submitter. Criteria: GeneDx Variant Classification Process June 2021. Collection method: clinical testing. Allele origin: germline. Affected: yes.
Comment: In silico analysis indicates that this missense variant does not alter protein structure/function; Has not been previously published as pathogenic or benign to our knowledge

Blueprint Genetics
Classification: Uncertain significance. Last evaluated: 2024-02-06. Review status: criteria provided, single submitter. Criteria: ACMG Guidelines, 2015. Collection method: clinical testing. Allele origin: germline.

Labcorp Genetics (formerly Invitae), Labcorp
Classification: Uncertain significance for Microcephaly-intellectual disability-sensorineural hearing loss-epilepsy-abnormal muscle tone syndrome. Last evaluated: 2022-10-13. Review status: criteria provided, single submitter. Criteria: Invitae Variant Classification Sherloc (09022015). Collection method: clinical testing. Allele origin: germline.
Comment: This sequence change replaces arginine, which is basic and polar, with glycine, which is neutral and non-polar, at codon 297 of the SPATA5 protein (p.Arg297Gly). This variant is present in population databases (rs568838818, gnomAD 0.02%). This variant has not been reported in the literature in individuals affected with SPATA5-related conditions. ClinVar contains an entry for this variant (Variation ID: 660212). Advanced modeling of protein sequence and biophysical properties (such as structural, functional, and spatial information, amino acid conservation, physicochemical variation, residue mobility, and thermodynamic stability) performed at Invitae indicates that this missense variant is not expected to disrupt SPATA5 protein function. In summary, the available evidence is currently insufficient to determine the role of this variant in disease. Therefore, it has been classified as a Variant of Uncertain Significance.

NM_145207.3(AFG2A):c.889A>G (p.Arg297Gly)

Gene: AFG2A (AAA ATPase AFG2A; plus strand). Cytogenetic location: 4q28.1.
Variant type: single nucleotide variant.
Coding change: c.889A>G on transcript NM_145207.3 (MANE Select); coding-DNA position 889, A replaced by G.
Protein change: p.Arg297Gly; replaces arginine 297 with glycine.
Molecular consequence: missense variant.
Genome position (GRCh38, 1-based): chr4:122,934,480, A>G. VCF-style: chr4-122934480-A-G. GRCh37 (hg19) VCF-style: chr4-123855635-A-G.
Other names: c.886A>G, p.Arg296Gly (NM_001317799.2, NM_001345856.2); short protein forms R296G, R297G.
Identifiers: ClinVar variation 660212 (VCV000660212.9), dbSNP rs568838818, ClinGen allele CA3070336.